The following is an entry in ClinVar:

NC_000022.11:g.(?_31804142)_(31810661_?)del

Gene: DEPDC5 (DEP domain containing 5, GATOR1 subcomplex subunit; plus strand). Cytogenetic location: 22q12.3.
Variant type: Deletion.
Identifiers: ClinVar variation 650190 (VCV000650190.6).

ClinVar aggregate classification (germline): Pathogenic. Review status: criteria provided, single submitter (1 of 4 stars). 2 submissions from 1 submitter: Pathogenic (2). Last evaluated 2020-03-05.

Conditions:
Epilepsy, familial focal, with variable foci 1 (FFEVF1). Also called: DEPDC5-Related Epilepsy. Identifiers: MedGen C4551983, MONDO:0024556, OMIM 604364.
Familial focal epilepsy with variable foci (FPEVF). Identifiers: Orphanet 98820, MedGen C1858477, MONDO:0020310.

Submissions (2):

Labcorp Genetics (formerly Invitae), Labcorp
Classification: Pathogenic for Familial focal epilepsy with variable foci. Last evaluated: 2020-03-05. Review status: criteria provided, single submitter. Criteria: Invitae Variant Classification Sherloc (09022015). Collection method: clinical testing. Allele origin: germline.
Comment: This variant has not been reported in the literature in individuals with DEPDC5-related disease. For these reasons, this variant has been classified as Pathogenic. Loss-of-function variants in DEPDC5 are known to be pathogenic (PMID: 23542697, 23542701). This variant is an out-of-frame deletion of the genomic region encompassing exons 16-20 of the DEPDC5 gene. This is expected to create a premature translational stop signal and result in an absent or disrupted protein product.

Labcorp Genetics (formerly Invitae), Labcorp
Classification: Pathogenic for Familial focal epilepsy with variable foci. Last evaluated: 2018-11-19. Review status: criteria provided, single submitter. Criteria: Invitae Variant Classification Sherloc (09022015). Collection method: clinical testing. Allele origin: germline.
Comment: This variant is an out-of-frame deletion of the genomic region encompassing exons 16-20 of the DEPDC5 gene. This is expected to create a premature translational stop signal and result in an absent or disrupted protein product. This variant has not been reported in the literature in individuals with DEPDC5-related disease. Loss-of-function variants in DEPDC5 are known to be pathogenic (PMID: 23542697, 23542701). For these reasons, this variant has been classified as Pathogenic.

Literature cited by the submitters: PubMed 23542697; PubMed 23542701.